The following is an entry in ClinVar:

NM_001281740.3(FHOD3):c.2561_2566del (p.Ala854_Gly855del)

Gene: FHOD3 (formin homology 2 domain containing 3; plus strand). Cytogenetic location: 18q12.2.
Variant type: Deletion.
Coding change: c.2561_2566del on transcript NM_001281740.3 (MANE Select); coding-DNA positions 2561 to 2566, 6 bases deleted (CAGGTG; older notation c.2561_2566delCAGGTG).
Protein change: p.Ala854_Gly855del.
Molecular consequence: inframe deletion.
Genome position (GRCh38, 1-based): chr18:36,717,859-36,717,864, CAGGTG deleted; deleting any 6 consecutive bases within chr18:36,717,857-36,717,864 gives the same sequence; the c. name uses the placement nearest the transcript's 3' end. VCF-style (leftmost placement, unchanged base first): chr18-36717856-ATGCAGG-A. GRCh37 (hg19) VCF-style: chr18-34297819-ATGCAGG-A.
Other names: c.1985_1990del, p.Ala662_Gly663del (NM_001281739.3); c.2036_2041del, p.Ala679_Gly680del (NM_025135.5); c.2561_2566delCAGGTG (NM_001281740.3).
Identifiers: ClinVar variation 3068579 (VCV003068579.22), dbSNP rs573447742, ClinGen allele CA8941908.
Genomic context (GRCh38, chr18:36,717,856, plus strand): 5'-GCCCCTTTCTCATTTTTCTCTCCCATGTACTTTCAGGTTTGTGGCCCGCAGGTGTCCAGG[ATGCAGG>A]TGTAAATGGACAGTGTGGCGACATCCTCACCAACAAACGGTTCATGCTTGACATGCTGTA-3'

ClinVar aggregate classification (germline): Benign/Likely benign. Review status: criteria provided, multiple submitters, no conflicts (2 of 4 stars). 3 submissions from 3 submitters: Benign (1); Likely benign (2). Last evaluated 2025-04-09.

Conditions:
Cardiomyopathy, familial hypertrophic, 28. Identifiers: MedGen C5543616, MONDO:0030317, OMIM 619402.

Submissions (3):

Molecular Diagnostic Laboratory for Inherited Cardiovascular Disease, Montreal Heart Institute
Classification: Likely benign. Last evaluated: 2025-04-09. Review status: criteria provided, single submitter. Criteria: ACMG Guidelines, 2015. Collection method: clinical testing. Allele origin: germline. Affected: no.

CeGaT Center for Human Genetics Tuebingen
Classification: Likely benign. Last evaluated: 2024-04-01. Review status: criteria provided, single submitter. Criteria: CeGaT Center For Human Genetics Tuebingen Variant Classification Criteria Version 2. Collection method: clinical testing. Allele origin: germline. Affected: yes. Observed: 1 variant allele.
Comment: FHOD3: PM4, BS1, BS2

Molecular Genetics, Royal Melbourne Hospital
Classification: Benign for Cardiomyopathy, familial hypertrophic, 28. Last evaluated: 2023-05-04. Review status: criteria provided, single submitter. Criteria: ACMG Guidelines, 2015. Collection method: clinical testing. Allele origin: germline. Affected: no.
Comment: South Asian population allele frequency is 1.464% (rs573447742, 394/26,910 alleles, 6 homozygotes in gnomAD v2.1). Based on the classification scheme RMH Modified ACMG/AMP Guidelines v1.6.1, this variant is classified as BENIGN. Following criteria are met: BA1